The following is an entry in ClinVar:

NM_153033.5(KCTD7):c.733C>T (p.Leu245=)

Gene: KCTD7 (potassium channel tetramerization domain containing 7; plus strand). Cytogenetic location: 7q11.21.
Variant type: single nucleotide variant.
Coding change: c.733C>T on transcript NM_153033.5 (MANE Select); coding-DNA position 733, C replaced by T.
Protein change: p.Leu245=; no amino-acid change (leucine 245 retained).
Molecular consequence: synonymous variant.
Genome position (GRCh38, 1-based): chr7:66,639,095, C>T. VCF-style: chr7-66639095-C-T. GRCh37 (hg19) VCF-style: chr7-66104082-C-T.
Other names: c.733C>T, p.Leu245= (NM_001167961.2).
Identifiers: ClinVar variation 4682314 (VCV004682314.1).

ClinVar aggregate classification (germline): Uncertain significance (1 of 4 stars; one submission).

Submission:

Athena Diagnostics
Classification: Uncertain significance. Last evaluated: 2025-02-27. Review status: criteria provided, single submitter. Criteria: Athena Diagnostics Criteria. Collection method: clinical testing. Allele origin: unknown.
Comment: Available data are insufficient to determine the clinical significance of the variant at this time. This variant has not been reported in large, multi-ethnic general populations. Computational tools yielded predictions that this variant is unlikely to have an effect on normal RNA splicing.